The following is an entry in ClinVar:

ClinVar aggregate classification (germline): Benign/Likely benign. Review status: criteria provided, multiple submitters, no conflicts (2 of 4 stars). 2 submissions from 2 submitters: Benign (1); Likely benign (1). Last evaluated 2025-11-24.

Allele frequency attached by ClinVar (database versions not stated): 1000 Genomes Project 0.00040; gnomAD 0.00049; TOPMed 0.00049; ExAC 0.00054; 1000 Genomes Project 30x 0.00062; gnomAD exomes 0.00074; ESP Exome Variant Server 0.00092.
gnomAD v4.1: 1,147 of 1,613,574 alleles (0.071%); highest among the groups gnomAD compares: Non-Finnish European, 0.091%; no homozygotes.

Submissions (2):

Labcorp Genetics (formerly Invitae), Labcorp
Classification: Benign. Last evaluated: 2025-11-24. Review status: criteria provided, single submitter. Criteria: Invitae Variant Classification Sherloc (09022015). Collection method: clinical testing. Allele origin: germline.

CeGaT Center for Human Genetics Tuebingen
Classification: Likely benign. Last evaluated: 2025-10-01. Review status: criteria provided, single submitter. Criteria: CeGaT Center For Human Genetics Tuebingen Variant Classification Criteria Version 2. Collection method: clinical testing. Allele origin: germline. Affected: yes. Observed: 2 variant alleles.
Comment: BRD4: BP4, BP7

NM_001379291.1(BRD4):c.1140G>A (p.Val380=)

Gene: BRD4 (bromodomain containing 4; minus strand). Cytogenetic location: 19p13.12.
Variant type: single nucleotide variant.
Coding change: c.1140G>A on transcript NM_001379291.1 (MANE Select); coding-DNA position 1140, G replaced by A.
Protein change: p.Val380=; no amino-acid change (valine 380 retained).
Molecular consequence: synonymous variant.
Genome position (GRCh38, 1-based): chr19:15,264,476, C>T on the plus strand (G>A on the coding strand, the complement: BRD4 is on the minus strand). VCF-style: chr19-15264476-C-T. GRCh37 (hg19) VCF-style: chr19-15375287-C-T.
Other names: c.1140G>A, p.Val380= (NM_001330384.2, NM_001379292.1, NM_014299.3 and 1 more transcripts).
Identifiers: ClinVar variation 2045861 (VCV002045861.26), dbSNP rs141051548, ClinGen allele CA9265447.
Genomic context (GRCh38, chr19:15,264,476, plus strand): 5'-CATGTCCATGGGGTGCTTGATGATGTCACAGTAGTCGTGTAGGCCCAGTGCCTCCACGTC[C>T]ACAGGCTTGTAGAAGGGCCAGGCGTAGGCGGCGTGCTTCTTGGCAAACATCTCCTTGAGG-3'
Protein context (NP_001366220.1, residues 370-390): AAYAWPFYKP[Val380=]DVEALGLHDY